The following is an entry in ClinVar:

NM_000053.4(ATP7B):c.1881T>G (p.Phe627Leu)

Gene: ATP7B (ATPase copper transporting beta; minus strand). Cytogenetic location: 13q14.3.
Variant type: single nucleotide variant.
Coding change: c.1881T>G on transcript NM_000053.4 (MANE Select); coding-DNA position 1881, T replaced by G.
Protein change: p.Phe627Leu; replaces phenylalanine 627 with leucine.
Molecular consequence: missense variant. On other transcripts: intron variant (13).
Genome position (GRCh38, 1-based): chr13:51,961,902, A>C on the plus strand (T>G on the coding strand, the complement: ATP7B is on the minus strand). VCF-style: chr13-51961902-A-C. GRCh37 (hg19) VCF-style: chr13-52536038-A-C.
Other names: c.1548T>G, p.Phe516Leu (NM_001243182.2); c.1881T>G, p.Phe627Leu (NM_001330578.2, NM_001406511.1, NM_001406512.1 and 16 more transcripts); c.1848T>G, p.Phe616Leu (NM_001406514.1, NM_001406524.1); c.1785T>G, p.Phe595Leu (NM_001406517.1, NM_001406530.1, NM_001406536.1 and 1 more transcripts); c.1452T>G, p.Phe484Leu (NM_001406539.1); c.1869+2970T>G (NM_001406541.1, NM_001406531.1, NM_001406532.1 and 5 more transcripts); c.1773+2970T>G (NM_001406543.1, NM_001406544.1); c.1286-11741T>G (NM_001406548.1); and 1 more; short protein forms F484L, F516L, F595L, F616L, F627L.
Identifiers: ClinVar variation 4757253 (VCV004757253.1).

ClinVar aggregate classification (germline): Uncertain significance (1 of 4 stars; one submission).

Conditions:
Wilson disease (WND). Also called: Wilson's disease. Identifiers: Orphanet 905, MedGen C0019202, MONDO:0010200, OMIM 277900. Disease mechanism: loss of function.

gnomAD v4.1: 3 of 1,613,864 alleles (0.00019%); highest among the groups gnomAD compares: Non-Finnish European, 0.000085%; no homozygotes.

Submission:

Color Diagnostics, LLC DBA Color Health
Classification: Uncertain significance for Wilson disease. Last evaluated: 2025-06-17. Review status: criteria provided, single submitter. Criteria: ACMG Guidelines, 2015. Collection method: clinical testing. Allele origin: germline.
Comment: This missense variant replaces phenylalanine with leucine at codon 627 of the ATP7B protein. Computational prediction suggests that this variant may have deleterious impact on protein structure and function. To our knowledge, functional studies have not been reported for this variant. This variant has not been reported in individuals affected with ATP7B-related disorders in the literature. This variant has not been identified in the general population by the Genome Aggregation Database (gnomAD). The available evidence is insufficient to determine the role of this variant in disease conclusively. Therefore, this variant is classified as a Variant of Uncertain Significance.